The following is an entry in ClinVar:

NM_004100.5(EYA4):c.1418G>T (p.Gly473Val)

Genes: TARID (TCF21 antisense RNA inducing promoter demethylation; minus strand), EYA4 (EYA transcriptional coactivator and phosphatase 4; plus strand). Cytogenetic location: 6q23.2.
Variant type: single nucleotide variant.
Coding change: c.1418G>T on transcript NM_004100.5 (MANE Select); coding-DNA position 1418, G replaced by T.
Protein change: p.Gly473Val; replaces glycine 473 with valine.
Molecular consequence: missense variant.
Genome position (GRCh38, 1-based): chr6:133,512,955, G>T. VCF-style: chr6-133512955-G-T. GRCh37 (hg19) VCF-style: chr6-133834093-G-T.
Other names: c.1256G>T, p.Gly419Val (NM_001301012.2); c.1436G>T, p.Gly479Val (NM_001301013.2); c.1349G>T, p.Gly450Val (NM_001370458.1, NM_172103.4); c.1274G>T, p.Gly425Val (NM_001370459.1); c.1418G>T, p.Gly473Val (NM_172105.4); short protein forms G473V, G419V, G450V, G425V, G479V.
Identifiers: ClinVar variation 178347 (VCV000178347.27), dbSNP rs146977269, ClinGen allele CA182150.

ClinVar aggregate classification (germline): Conflicting classifications of pathogenicity. Review status: criteria provided, conflicting classifications (1 of 4 stars). 8 submissions from 7 submitters: Uncertain significance (3); Benign (2); Likely benign (3). Last evaluated 2026-01-12.

Conditions:
Cardiovascular phenotype. Identifiers: MedGen CN230736.
Autosomal dominant nonsyndromic hearing loss 10. Identifiers: Orphanet 90635, MedGen C1832476, MONDO:0011031, OMIM 601316.
Dilated cardiomyopathy 1J (CMD1J). Also called: CARDIOMYOPATHY, DILATED, WITH SENSORINEURAL HEARING LOSS, AUTOSOMAL DOMINANT. Identifiers: Orphanet 217622, MedGen C1854368, MONDO:0011541, OMIM 605362.

Allele frequency attached by ClinVar (database versions not stated): gnomAD exomes 0.00010 and 0.00024; gnomAD 0.00012 and 0.00014; TOPMed 0.00015; ExAC 0.00020; ESP Exome Variant Server 0.00046.
gnomAD v4.1: 182 of 1,614,004 alleles (0.011%); highest among the groups gnomAD compares: Non-Finnish European, 0.0019%; 1 homozygote.

Submissions (8):

Women's Health and Genetics/Laboratory Corporation of America, LabCorp
Classification: Likely benign. Last evaluated: 2026-01-12. Review status: criteria provided, single submitter. Criteria: LabCorp Variant Classification Summary - May 2015. Collection method: clinical testing. Allele origin: germline.
Comment: Variant summary: EYA4 c.1418G>T (p.Gly473Val) results in a non-conservative amino acid change located in the EYA domain (IPR006545) of the encoded protein sequence. Algorithms developed to predict the effect of missense changes on protein structure and function all suggest that this variant is likely to be disruptive. The variant allele was found at a frequency of 0.00024 in 251406 control chromosomes. The observed variant frequency exceeds the estimated maximal expected allele frequency for disease-causing variants in EYA4. To our knowledge, no occurrence of c.1418G>T in individuals affected with Dilated Cardiomyopathy and no experimental evidence demonstrating an impact on protein function have been reported. The following publication has been ascertained in the context of this evaluation (PMID: 33745059). ClinVar contains an entry for this variant (Variation ID: 178347). Based on the evidence outlined above, the variant was classified as likely benign.

Labcorp Genetics (formerly Invitae), Labcorp
Classification: Benign for Dilated cardiomyopathy 1J. Last evaluated: 2026-01-11. Review status: criteria provided, single submitter. Criteria: Invitae Variant Classification Sherloc (09022015). Collection method: clinical testing. Allele origin: germline.

Ambry Genetics
Classification: Likely benign for Cardiovascular phenotype. Last evaluated: 2020-03-10. Review status: criteria provided, single submitter. Criteria: Ambry Variant Classification Scheme 2023. Collection method: clinical testing. Allele origin: germline.

Laboratory for Molecular Medicine, Mass General Brigham Personalized Medicine
Classification: Benign. Last evaluated: 2019-09-13. Review status: criteria provided, single submitter. Criteria: LMM Criteria. Collection method: clinical testing. Allele origin: germline. Observed: 2 variant alleles.
Comment: The p.Gly473Val variant in EYA4 is classified as benign because it has been identified in 0.5% (54/10370) of Ashkenazi Jewish chromosomes by gnomAD. ACMG/AMP Criteria applied: BA1.

GeneDx
Classification: Likely benign. Last evaluated: 2018-12-13. Review status: criteria provided, single submitter. Criteria: GeneDx Variant Classification Process June 2021. Collection method: clinical testing. Allele origin: germline. Affected: yes.

Illumina Laboratory Services, Illumina
Classification: Uncertain significance for Dilated cardiomyopathy 1J. Last evaluated: 2017-04-27. Review status: criteria provided, single submitter. Criteria: ICSL Variant Classification Criteria 13 December 2019. Collection method: clinical testing. Allele origin: germline.

Illumina Laboratory Services, Illumina
Classification: Uncertain significance for Autosomal dominant nonsyndromic hearing loss 10. Last evaluated: 2017-04-27. Review status: criteria provided, single submitter. Criteria: ICSL Variant Classification Criteria 13 December 2019. Collection method: clinical testing. Allele origin: germline.

Biesecker Lab/Clinical Genomics Section, National Institutes of Health
Classification: Uncertain significance. Last evaluated: 2013-06-24. Review status: criteria provided, single submitter. Criteria: Ng et al. (Circ Cardiovasc Genet. 2013). Collection method: research. Allele origin: unknown. Observed: 1 variant allele. Study: ClinSeq.
Comment: The study set was not selected for affection status in relation to any cancer. Pathogenicity categories were based on literature curation. See Pubmed ID:23861362 for details.

Medical sequencing

Literature cited by the submitters: PubMed 33745059 (cited by Women's Health and Genetics/Laboratory Corporation of America, LabCorp); PubMed 23861362 (cited by Ambry Genetics).